The following is an entry in ClinVar:

ClinVar aggregate classification (germline): Uncertain significance. Review status: criteria provided, multiple submitters, no conflicts (2 of 4 stars). 4 submissions from 4 submitters: Uncertain significance (4). Last evaluated 2025-06-27.

Conditions:
Usher syndrome type 2D. Also called: USHER SYNDROME, TYPE IID. Identifiers: Orphanet 231178, Orphanet 886, MedGen C1568249, MONDO:0012662, OMIM 611383.
Autosomal recessive nonsyndromic hearing loss 31. Also called: WHIRLER, MOUSE, HOMOLOG OF. Identifiers: Orphanet 90636, MedGen C1846839, MONDO:0011767, OMIM 607084.

Allele frequency attached by ClinVar (database versions not stated): ExAC 0.00001; gnomAD 0.00001 and below 0.00001; gnomAD exomes 0.00003 and 0.00001; TOPMed 0.00003.
gnomAD v4.1: 26 of 1,614,164 alleles (0.0016%); highest among the groups gnomAD compares: East Asian, 0.011%; no homozygotes.

Submissions (4):

GeneDx
Classification: Uncertain significance. Last evaluated: 2025-06-27. Review status: criteria provided, single submitter. Criteria: GeneDx Variant Classification Process June 2021. Collection method: clinical testing. Allele origin: germline. Affected: yes.
Comment: In silico analysis suggests that this missense variant does not alter protein structure/function; Has not been previously published as pathogenic or benign to our knowledge

Blueprint Genetics
Classification: Uncertain significance. Last evaluated: 2024-01-23. Review status: criteria provided, single submitter. Criteria: ACMG Guidelines, 2015. Collection method: clinical testing. Allele origin: germline.

Labcorp Genetics (formerly Invitae), Labcorp
Classification: Uncertain significance. Last evaluated: 2022-10-25. Review status: criteria provided, single submitter. Criteria: Invitae Variant Classification Sherloc (09022015). Collection method: clinical testing. Allele origin: germline.
Comment: This sequence change replaces glutamic acid, which is acidic and polar, with lysine, which is basic and polar, at codon 725 of the WHRN protein (p.Glu725Lys). This variant is present in population databases (rs376805417, gnomAD 0.03%). This variant has not been reported in the literature in individuals affected with WHRN-related conditions. ClinVar contains an entry for this variant (Variation ID: 1001155). Algorithms developed to predict the effect of missense changes on protein structure and function (SIFT, PolyPhen-2, Align-GVGD) all suggest that this variant is likely to be disruptive. In summary, the available evidence is currently insufficient to determine the role of this variant in disease. Therefore, it has been classified as a Variant of Uncertain Significance.

Fulgent Genetics
Classification: Uncertain significance for Autosomal recessive nonsyndromic hearing loss 31; Usher syndrome type 2D. Last evaluated: 2022-01-05. Review status: criteria provided, single submitter. Criteria: ACMG Guidelines, 2015. Collection method: clinical testing. Allele origin: unknown.

NM_015404.4(WHRN):c.2173G>A (p.Glu725Lys)

Gene: WHRN (whirlin; minus strand). Cytogenetic location: 9q32.
Variant type: single nucleotide variant.
Coding change: c.2173G>A on transcript NM_015404.4 (MANE Select); coding-DNA position 2173, G replaced by A.
Protein change: p.Glu725Lys; replaces glutamic acid 725 with lysine.
Molecular consequence: missense variant.
Genome position (GRCh38, 1-based): chr9:114,406,418, C>T on the plus strand (G>A on the coding strand, the complement: WHRN is on the minus strand). VCF-style: chr9-114406418-C-T. GRCh37 (hg19) VCF-style: chr9-117168698-C-T.
Other names: c.1024G>A, p.Glu342Lys (NM_001083885.3); c.2173G>A, p.Glu725Lys (NM_001173425.2); c.1120G>A, p.Glu374Lys (NM_001346890.1); c.2173G>A (NM_015404.2); short protein forms E342K, E374K, E725K.
Identifiers: ClinVar variation 1001155 (VCV001001155.8), dbSNP rs376805417, ClinGen allele CA5205728.